The following is an entry in ClinVar:

NM_001048174.2(MUTYH):c.1163A>G (p.Gln388Arg)

Gene: MUTYH (mutY DNA glycosylase; minus strand). Cytogenetic location: 1p34.1.
Variant type: single nucleotide variant.
Coding change: c.1163A>G on transcript NM_001048174.2 (MANE Select); coding-DNA position 1163, A replaced by G.
Protein change: p.Gln388Arg; replaces glutamine 388 with arginine.
Molecular consequence: missense variant. On other transcripts: non-coding transcript variant (2).
Genome position (GRCh38, 1-based): chr1:45,331,496, T>C on the plus strand (A>G on the coding strand, the complement: MUTYH is on the minus strand). VCF-style: chr1-45331496-T-C. GRCh37 (hg19) VCF-style: chr1-45797168-T-C.
Other names: p.Q416R:CAG>CGG; c.1163A>G, p.Gln388Arg (NM_001048171.2, NM_001048173.2, NM_001293195.2); c.1166A>G, p.Gln389Arg (NM_001048172.2); c.1247A>G, p.Gln416Arg (NM_001128425.2); c.1208A>G, p.Gln403Arg (NM_001293190.2); c.1196A>G, p.Gln399Arg (NM_001293191.2); c.887A>G, p.Gln296Arg (NM_001293192.2, NM_001293196.2); c.818A>G, p.Gln273Arg (NM_001350650.2, NM_001350651.2); and 1 more; short protein forms Q416R, Q273R, Q399R, Q403R, Q413R, Q388R, Q389R, Q296R.
Identifiers: ClinVar variation 182696 (VCV000182696.3), dbSNP rs730881835, ClinGen allele CA012385.

ClinVar aggregate classification (germline): Uncertain significance. Review status: criteria provided, multiple submitters, no conflicts (2 of 4 stars). 2 submissions from 2 submitters: Uncertain significance (2). Last evaluated 2025-08-27.

Conditions:
Hereditary cancer-predisposing syndrome. Also called: Tumor predisposition; Hereditary Cancer Syndrome; Hereditary neoplastic syndrome; Neoplastic Syndromes, Hereditary. Identifiers: Orphanet 140162, MedGen C0027672, MeSH D009386, MONDO:0015356.

Submissions (2):

Ambry Genetics
Classification: Uncertain significance for Hereditary cancer-predisposing syndrome. Last evaluated: 2025-08-27. Review status: criteria provided, single submitter. Criteria: Ambry Variant Classification Scheme 2023. Collection method: clinical testing. Allele origin: germline.
Comment: The p.Q416R variant (also known as c.1247A>G), located in coding exon 13 of the MUTYH gene, results from an A to G substitution at nucleotide position 1247. The glutamine at codon 416 is replaced by arginine, an amino acid with highly similar properties. This amino acid position is conserved. In addition, this alteration is predicted to be tolerated by in silico analysis. Based on the available evidence, the clinical significance of this variant remains unclear.

GeneDx
Classification: Uncertain significance. Last evaluated: 2014-04-04. Review status: criteria provided, single submitter. Criteria: GeneDx Variant Classification (06012015). Collection method: clinical testing. Allele origin: germline. Affected: yes.
Comment: This variant is denoted MUTYH c.1247A>G at the cDNA level, p.Gln416Arg (Q416R) at the protein level, and results in the change of a Glutamine to an Arginine (CAG>CGG). This variant has not, to our knowledge, been published in the literature as pathogenic or benign. MUTYH Gln416Arg was not observed in approximately 6,500 individuals of European and African American ancestry in the NHLBI Exome Sequencing Project, indicating it is not a common benign variant in these populations. Since Glutamine and Arginine differ in some properties, this is considered a semi-conservative amino acid substitution and may affect protein integrity. MUTYH Gln416Arg occurs at a position that is moderately conserved across species and is located in the Nudix hydrolase domain (UniProt). In silico analyses predict that this variant is unlikely to alter protein structure or function. Based on currently available information, it is unclear whether MUTYH Gln416Arg is pathogenic or benign. We consider it to be a variant of uncertain significance.